The following is an entry in ClinVar:

NM_003737.4(DCHS1):c.2448C>G (p.Asn816Lys)

Gene: DCHS1 (dachsous cadherin-related 1; minus strand). Cytogenetic location: 11p15.4.
Variant type: single nucleotide variant.
Coding change: c.2448C>G on transcript NM_003737.4 (MANE Select); coding-DNA position 2448, C replaced by G.
Protein change: p.Asn816Lys; replaces asparagine 816 with lysine.
Molecular consequence: missense variant.
Genome position (GRCh38, 1-based): chr11:6,633,419, G>C on the plus strand (C>G on the coding strand, the complement: DCHS1 is on the minus strand). VCF-style: chr11-6633419-G-C. GRCh37 (hg19) VCF-style: chr11-6654650-G-C.
Other names: short protein forms N816K.
Identifiers: ClinVar variation 1310010 (VCV001310010.7), dbSNP rs1373035854, ClinGen allele CA379421563.

ClinVar aggregate classification (germline): Uncertain significance. Review status: criteria provided, multiple submitters, no conflicts (2 of 4 stars). 2 submissions from 2 submitters: Uncertain significance (2). Last evaluated 2025-07-19.

Allele frequency attached by ClinVar (database versions not stated): TOPMed below 0.00001; gnomAD exomes 0.00001.
gnomAD v4.1: 2 of 1,555,364 alleles (0.00013%); highest among the groups gnomAD compares: Admixed American, 0.0039%; no homozygotes.

Submissions (2):

Labcorp Genetics (formerly Invitae), Labcorp
Classification: Uncertain significance. Last evaluated: 2025-07-19. Review status: criteria provided, single submitter. Criteria: Invitae Variant Classification Sherloc (09022015). Collection method: clinical testing. Allele origin: germline.
Comment: This sequence change replaces asparagine, which is neutral and polar, with lysine, which is basic and polar, at codon 816 of the DCHS1 protein (p.Asn816Lys). This variant is present in population databases (no rsID available, gnomAD 0.008%). This variant has not been reported in the literature in individuals affected with DCHS1-related conditions. ClinVar contains an entry for this variant (Variation ID: 1310010). Invitae Evidence Modeling of protein sequence and biophysical properties (such as structural, functional, and spatial information, amino acid conservation, physicochemical variation, residue mobility, and thermodynamic stability) indicates that this missense variant is not expected to disrupt DCHS1 protein function with a negative predictive value of 80%. In summary, the available evidence is currently insufficient to determine the role of this variant in disease. Therefore, it has been classified as a Variant of Uncertain Significance.

GeneDx
Classification: Uncertain significance. Last evaluated: 2019-11-05. Review status: criteria provided, single submitter. Criteria: GeneDx Variant Classification Process June 2021. Collection method: clinical testing. Allele origin: germline. Affected: yes.
Comment: Not observed at a significant frequency in large population cohorts (Lek et al., 2016); In silico analysis, which includes protein predictors and evolutionary conservation, supports that this variant does not alter protein structure/function; Has not been previously published as pathogenic or benign to our knowledge